The following is an entry in ClinVar:

ClinVar aggregate classification (germline): Uncertain significance (1 of 4 stars; one submission).

Submission:

GeneDx
Classification: Uncertain significance. Last evaluated: 2024-06-25. Review status: criteria provided, single submitter. Criteria: GeneDx Variant Classification Process June 2021. Collection method: clinical testing. Allele origin: germline. Affected: yes.
Comment: Not observed at significant frequency in large population cohorts (gnomAD); In silico analysis supports that this missense variant has a deleterious effect on protein structure/function; Has not been previously published as pathogenic or benign to our knowledge

NM_014974.3(DIP2C):c.1537A>G (p.Thr513Ala)

Gene: DIP2C (disco interacting protein 2 homolog C; minus strand). Cytogenetic location: 10p15.3.
Variant type: single nucleotide variant.
Coding change: c.1537A>G on transcript NM_014974.3 (MANE Select); coding-DNA position 1537, A replaced by G.
Protein change: p.Thr513Ala; replaces threonine 513 with alanine.
Molecular consequence: missense variant.
Genome position (GRCh38, 1-based): chr10:390,051, T>C on the plus strand (A>G on the coding strand, the complement: DIP2C is on the minus strand). VCF-style: chr10-390051-T-C. GRCh37 (hg19) VCF-style: chr10-435991-T-C.
Other names: short protein forms T513A.
Identifiers: ClinVar variation 3392873 (VCV003392873.1).